The following is an entry in ClinVar:

ClinVar aggregate classification (germline): Uncertain significance (1 of 4 stars; one submission).

Conditions:
Severe combined immunodeficiency due to LCK deficiency. Also called: Immunodeficiency 22. Identifiers: Orphanet 280142, MedGen C4014233, MONDO:0014334, OMIM 615758.

Allele frequency attached by ClinVar (database versions not stated): gnomAD 0.00001; 1000 Genomes Project 30x 0.00016; gnomAD exomes 0.00002; ExAC 0.00003; 1000 Genomes Project 0.00020.
gnomAD v4.1: 15 of 1,614,124 alleles (0.00093%); highest among the groups gnomAD compares: South Asian, 0.015%; no homozygotes.

Submission:

Labcorp Genetics (formerly Invitae), Labcorp
Classification: Uncertain significance for Severe combined immunodeficiency due to LCK deficiency. Last evaluated: 2022-07-19. Review status: criteria provided, single submitter. Criteria: Invitae Variant Classification Sherloc (09022015). Collection method: clinical testing. Allele origin: germline.
Comment: In summary, the available evidence is currently insufficient to determine the role of this variant in disease. Therefore, it has been classified as a Variant of Uncertain Significance. Algorithms developed to predict the effect of missense changes on protein structure and function are either unavailable or do not agree on the potential impact of this missense change (SIFT: "Deleterious"; PolyPhen-2: "Probably Damaging"; Align-GVGD: "Class C15"). ClinVar contains an entry for this variant (Variation ID: 474987). This variant has not been reported in the literature in individuals affected with LCK-related conditions. This variant is present in population databases (rs539280346, gnomAD 0.02%). This sequence change replaces aspartic acid, which is acidic and polar, with asparagine, which is neutral and polar, at codon 187 of the LCK protein (p.Asp187Asn).

NM_005356.5(LCK):c.559G>A (p.Asp187Asn)

Gene: LCK (LCK proto-oncogene, Src family tyrosine kinase; plus strand). Cytogenetic location: 1p35.2.
Variant type: single nucleotide variant.
Coding change: c.559G>A on transcript NM_005356.5 (MANE Select); coding-DNA position 559, G replaced by A.
Protein change: p.Asp187Asn; replaces aspartic acid 187 with asparagine.
Molecular consequence: missense variant.
Genome position (GRCh38, 1-based): chr1:32,275,991, G>A. VCF-style: chr1-32275991-G-A. GRCh37 (hg19) VCF-style: chr1-32741592-G-A.
Other names: c.559G>A, p.Asp187Asn (NM_001042771.3, NM_001330468.2); short protein forms D187N.
Identifiers: ClinVar variation 474987 (VCV000474987.10), dbSNP rs539280346, ClinGen allele CA741134.
Genomic context (GRCh38, chr1:32,275,991, plus strand): 5'-GTCCGGGACTTCGACCAGAACCAGGGAGAGGTGGTGAAACATTACAAGATCCGTAATCTG[G>A]ACAACGGTGGCTTCTACATCTCCCCTCGAATCACTTTTCCCGGCCTGCATGAACTGGTCC-3'
Protein context (NP_005347.3, residues 177-197): VVKHYKIRNL[Asp187Asn]NGGFYISPRI